The following is an entry in ClinVar:

ClinVar aggregate classification (germline): Likely pathogenic (1 of 4 stars; one submission).

gnomAD v4.1: 4 of 1,613,600 alleles (0.00025%); highest among the groups gnomAD compares: East Asian, 0.0022%; no homozygotes.

Submission:

Labcorp Genetics (formerly Invitae), Labcorp
Classification: Likely pathogenic. Last evaluated: 2024-04-03. Review status: criteria provided, single submitter. Criteria: Invitae Variant Classification Sherloc (09022015). Collection method: clinical testing. Allele origin: germline.
Comment: This sequence change affects a donor splice site in intron 43 of the DOCK6 gene. It is expected to disrupt RNA splicing. Variants that disrupt the donor or acceptor splice site typically lead to a loss of protein function (PMID: 16199547), and loss-of-function variants in DOCK6 are known to be pathogenic (PMID: 21820096, 25824905). This variant is present in population databases (rs766676229, gnomAD 0.0009%). This variant has not been reported in the literature in individuals affected with DOCK6-related conditions. Algorithms developed to predict the effect of sequence changes on RNA splicing suggest that this variant may disrupt the consensus splice site. In summary, the currently available evidence indicates that the variant is pathogenic, but additional data are needed to prove that conclusively. Therefore, this variant has been classified as Likely Pathogenic.

Literature cited by the submitters: PubMed 16199547; PubMed 21820096; PubMed 25824905.

NM_020812.4(DOCK6):c.5451+1G>A

Gene: DOCK6 (dedicator of cytokinesis 6; minus strand). Cytogenetic location: 19p13.2.
Variant type: single nucleotide variant.
Coding change: c.5451+1G>A on transcript NM_020812.4 (MANE Select); the canonical splice donor site of the intron after coding-DNA position 5451, G replaced by A.
Molecular consequence: splice donor variant.
Genome position (GRCh38, 1-based): chr19:11,202,393, C>T on the plus strand (G>A on the coding strand, the complement: DOCK6 is on the minus strand). VCF-style: chr19-11202393-C-T. GRCh37 (hg19) VCF-style: chr19-11313069-C-T.
Other names: c.5556+1G>A (NM_001367830.1).
Identifiers: ClinVar variation 3690276 (VCV003690276.2).